The following is an entry in ClinVar:

ClinVar aggregate classification (germline): Uncertain significance (1 of 4 stars; one submission).

Allele frequency attached by ClinVar (database versions not stated): gnomAD 0.00001; gnomAD exomes 0.00001; TOPMed 0.00002.
gnomAD v4.1: 9 of 1,613,510 alleles (0.00056%); highest among the groups gnomAD compares: East Asian, 0.0022%; no homozygotes.

Submission:

Labcorp Genetics (formerly Invitae), Labcorp
Classification: Uncertain significance. Last evaluated: 2021-09-01. Review status: criteria provided, single submitter. Criteria: Invitae Variant Classification Sherloc (09022015). Collection method: clinical testing. Allele origin: germline.
Comment: This sequence change replaces glutamine with lysine at codon 1903 of the PCLO protein (p.Gln1903Lys). The glutamine residue is moderately conserved and there is a small physicochemical difference between glutamine and lysine. This variant is not present in population databases (ExAC no frequency). This variant has not been reported in the literature in individuals affected with PCLO-related conditions. Algorithms developed to predict the effect of missense changes on protein structure and function are either unavailable or do not agree on the potential impact of this missense change (SIFT: "Tolerated"; PolyPhen-2: "Not Available"; Align-GVGD: "Class C0"). In summary, the available evidence is currently insufficient to determine the role of this variant in disease. Therefore, it has been classified as a Variant of Uncertain Significance.

NM_033026.6(PCLO):c.5707C>A (p.Gln1903Lys)

Gene: PCLO (piccolo presynaptic cytomatrix protein; minus strand). Cytogenetic location: 7q21.11.
Variant type: single nucleotide variant.
Coding change: c.5707C>A on transcript NM_033026.6 (MANE Select); coding-DNA position 5707, C replaced by A.
Protein change: p.Gln1903Lys; replaces glutamine 1903 with lysine.
Molecular consequence: missense variant.
Genome position (GRCh38, 1-based): chr7:82,955,246, G>T on the plus strand (C>A on the coding strand, the complement: PCLO is on the minus strand). VCF-style: chr7-82955246-G-T. GRCh37 (hg19) VCF-style: chr7-82584562-G-T.
Other names: c.5707C>A, p.Gln1903Lys (NM_014510.3); short protein forms Q1903K.
Identifiers: ClinVar variation 1394562 (VCV001394562.5), dbSNP rs1013837096, ClinGen allele CA161149995.
Genomic context (GRCh38, chr7:82,955,246, plus strand): 5'-GCATCATTTCTTCATACATCTCCTCAGCACTTTTTAACGCCTTTTGGCTACCTTCTTTCT[G>T]CATAATAGATTGCTCATCTGTTGGTGAGTATAATGAAACAGCTGTGGGCAATTTATAAAC-3'
Protein context (NP_149015.2, residues 1893-1913): YSPTDEQSIM[Gln1903Lys]KEGSQKALKS